The following is an entry in ClinVar:

NM_172107.4(KCNQ2):c.1526-4C>T

Gene: KCNQ2 (potassium voltage-gated channel subfamily Q member 2; minus strand). Cytogenetic location: 20q13.33.
Variant type: single nucleotide variant.
Coding change: c.1526-4C>T on transcript NM_172107.4 (MANE Select); 4 bases into the intron before coding-DNA position 1526, C replaced by T.
Molecular consequence: intron variant.
Genome position (GRCh38, 1-based): chr20:63,414,197, G>A on the plus strand (C>T on the coding strand, the complement: KCNQ2 is on the minus strand). VCF-style: chr20-63414197-G-A. GRCh37 (hg19) VCF-style: chr20-62045550-G-A.
Other names: c.1442-4C>T (NM_004518.6); c.1436-7C>T (NM_172108.5); c.1472-4C>T (NM_172106.3, NM_001382235.1).
Identifiers: ClinVar variation 1645298 (VCV001645298.40), dbSNP rs1396502704, ClinGen allele CA636341714.

ClinVar aggregate classification (germline): Likely benign. Review status: criteria provided, multiple submitters, no conflicts (2 of 4 stars). 2 submissions from 2 submitters: Likely benign (2). Last evaluated 2025-06-01.

Conditions:
Early-infantile DEE. Also called: Ohtahara syndrome; Early infantile epileptic encephalopathy; Early infantile epileptic encephalopathy with suppression bursts. Identifiers: Orphanet 1934, MedGen C0393706, MONDO:0800491.

Allele frequency attached by ClinVar (database versions not stated): gnomAD exomes 0.00001; gnomAD 0.00002.
gnomAD v4.1: 49 of 1,610,506 alleles (0.003%); highest among the groups gnomAD compares: Non-Finnish European, 0.004%; no homozygotes.

Submissions (2):

CeGaT Center for Human Genetics Tuebingen
Classification: Likely benign. Last evaluated: 2025-06-01. Review status: criteria provided, single submitter. Criteria: CeGaT Center For Human Genetics Tuebingen Variant Classification Criteria Version 2. Collection method: clinical testing. Allele origin: germline. Affected: yes. Observed: 2 variant alleles.
Comment: KCNQ2: BP4

Labcorp Genetics (formerly Invitae), Labcorp
Classification: Likely benign for Early-infantile DEE. Last evaluated: 2022-06-27. Review status: criteria provided, single submitter. Criteria: Invitae Variant Classification Sherloc (09022015). Collection method: clinical testing. Allele origin: germline.